The following is an entry in ClinVar:

NM_001042492.3(NF1):c.5737A>G (p.Lys1913Glu)

Gene: NF1 (neurofibromin 1; plus strand). Cytogenetic location: 17q11.2.
Variant type: single nucleotide variant.
Coding change: c.5737A>G on transcript NM_001042492.3 (MANE Select); coding-DNA position 5737, A replaced by G.
Protein change: p.Lys1913Glu; replaces lysine 1913 with glutamic acid.
Molecular consequence: missense variant.
Genome position (GRCh38, 1-based): chr17:31,330,423, A>G. VCF-style: chr17-31330423-A-G. GRCh37 (hg19) VCF-style: chr17-29657441-A-G.
Other names: c.5674A>G, p.Lys1892Glu (NM_000267.4); short protein forms K1892E, K1913E.
Identifiers: ClinVar variation 3879003 (VCV003879003.1).

ClinVar aggregate classification (germline): Uncertain significance (1 of 4 stars; one submission).

Conditions:
Cardiovascular phenotype. Identifiers: MedGen CN230736.
Hereditary cancer-predisposing syndrome. Also called: Tumor predisposition; Neoplastic Syndromes, Hereditary; Hereditary Cancer Syndrome; Hereditary neoplastic syndrome. Identifiers: Orphanet 140162, MedGen C0027672, MeSH D009386, MONDO:0015356.

Submission:

Ambry Genetics
Classification: Uncertain significance for Cardiovascular phenotype; Hereditary cancer-predisposing syndrome. Last evaluated: 2024-12-17. Review status: criteria provided, single submitter. Criteria: Ambry Variant Classification Scheme 2023. Collection method: clinical testing. Allele origin: germline.
Comment: The p.K1892E variant (also known as c.5674A>G), located in coding exon 38 of the NF1 gene, results from an A to G substitution at nucleotide position 5674. The lysine at codon 1892 is replaced by glutamic acid, an amino acid with similar properties. This amino acid position is conserved. In addition, this alteration is predicted to be deleterious by in silico analysis. Based on the available evidence, the clinical significance of this variant remains unclear.